The following is an entry in ClinVar:

ClinVar aggregate classification (germline): Uncertain significance. Review status: reviewed by expert panel (3 of 4 stars). 2 submissions from 2 submitters: Uncertain significance (1). 1 of the submissions does not count toward it. Last evaluated 2024-08-12.

Conditions:
Hereditary thrombocytopenia and hematologic cancer predisposition syndrome. Identifiers: Orphanet 71290, MedGen CN281654, MONDO:0011071.

Submissions (2):

ClinGen Myeloid Malignancy Variant Curation Expert Panel
Classification: Uncertain significance for Hereditary thrombocytopenia and hematologic cancer predisposition syndrome. Last evaluated: 2024-08-12. Review status: reviewed by expert panel. Criteria: ClinGen MyeloMalig ACMG Specifications v2. Collection method: curation. Allele origin: germline. Inheritance: Autosomal dominant inheritance.
Comment: NM_001754.5(RUNX1):c.554A>C (p.Gln185Pro) is a missense variant which is completely absent from all population databases with at least 20x coverage for RUNX1 (PM2_supporting). This variant has a REVEL score >0.75 (0.977) (PP3). This missense variant is located within the Runt Homology Domain (AA 105-204), but does not occur in an established hotspot residue (PM1_supporting). In summary, the clinical significance of this variant is uncertain. ACMG/AMP criteria applied, as specified by the Myeloid Malignancy Variant Curation Expert Panel for RUNX1: PM2_supporting, PP3, PM1_supporting.

PreventionGenetics, part of Exact Sciences
Classification: Uncertain significance. Last evaluated: 2018-04-05. Review status: criteria provided, single submitter. Criteria: ACMG Guidelines, 2015. Collection method: clinical testing. Allele origin: germline. Not counted in ClinVar's aggregate classification.

NM_001754.5(RUNX1):c.554A>C (p.Gln185Pro)

Genes: RUNX1 (RUNX family transcription factor 1; minus strand), RUNX1-AS1 (RUNX1 antisense RNA 1; plus strand). Cytogenetic location: 21q22.12.
Variant type: single nucleotide variant.
Coding change: c.554A>C on transcript NM_001754.5 (MANE Select); coding-DNA position 554, A replaced by C.
Protein change: p.Gln185Pro; replaces glutamine 185 with proline.
Molecular consequence: missense variant.
Genome position (GRCh38, 1-based): chr21:34,859,533, T>G on the plus strand (A>C on the coding strand, the complement: RUNX1 is on the minus strand). VCF-style: chr21-34859533-T-G. GRCh37 (hg19) VCF-style: chr21-36231830-T-G.
Other names: NM_001754.4(RUNX1):c.554A>C; p.Gln185Pro; c.473A>C, p.Gln158Pro (NM_001001890.3, NM_001122607.2); short protein forms Q185P, Q158P.
Identifiers: ClinVar variation 561247 (VCV000561247.3), dbSNP rs1569061888, ClinGen allele CA410208062.